The following is an entry in ClinVar:

ClinVar aggregate classification (germline): Uncertain significance (1 of 4 stars; one submission).

gnomAD v4.1: 1 of 1,611,658 alleles (0.000062%); highest among the groups gnomAD compares: Non-Finnish European, 0.000085%; no homozygotes.

Submission:

Labcorp Genetics (formerly Invitae), Labcorp
Classification: Uncertain significance. Last evaluated: 2021-09-14. Review status: criteria provided, single submitter. Criteria: Invitae Variant Classification Sherloc (09022015). Collection method: clinical testing. Allele origin: germline.
Comment: In summary, the available evidence is currently insufficient to determine the role of this variant in disease. Therefore, it has been classified as a Variant of Uncertain Significance. This variant disrupts the p.Ile111 amino acid residue in CYP4V2. Other variant(s) that disrupt this residue have been determined to be pathogenic (PMID: 15042513, 23221965, 29691984). This suggests that this residue is clinically significant, and that variants that disrupt this residue are likely to be disease-causing. Advanced modeling of protein sequence and biophysical properties (such as structural, functional, and spatial information, amino acid conservation, physicochemical variation, residue mobility, and thermodynamic stability) performed at Invitae indicates that this missense variant is expected to disrupt CYP4V2 protein function. This variant has not been reported in the literature in individuals affected with CYP4V2-related conditions. This variant is not present in population databases (ExAC no frequency). This sequence change replaces isoleucine with asparagine at codon 111 of the CYP4V2 protein (p.Ile111Asn). The isoleucine residue is moderately conserved and there is a large physicochemical difference between isoleucine and asparagine.

Literature cited by the submitters: PubMed 15042513; PubMed 23221965; PubMed 29691984.

NM_207352.4(CYP4V2):c.332T>A (p.Ile111Asn)

Gene: CYP4V2 (cytochrome P450 family 4 subfamily V member 2; plus strand). Cytogenetic location: 4q35.1.
Variant type: single nucleotide variant.
Coding change: c.332T>A on transcript NM_207352.4 (MANE Select); coding-DNA position 332, T replaced by A.
Protein change: p.Ile111Asn; replaces isoleucine 111 with asparagine.
Molecular consequence: missense variant.
Genome position (GRCh38, 1-based): chr4:186,196,007, T>A. VCF-style: chr4-186196007-T-A. GRCh37 (hg19) VCF-style: chr4-187117161-T-A.
Other names: short protein forms I111N.
Identifiers: ClinVar variation 1414526 (VCV001414526.6), dbSNP rs119103283, ClinGen allele CA358947052.